The following is an entry in ClinVar:

ClinVar aggregate classification (germline): Conflicting classifications of pathogenicity. Review status: criteria provided, conflicting classifications (1 of 4 stars). 2 submissions from 2 submitters: Uncertain significance (1); Likely benign (1). Last evaluated 2025-07-31.

Conditions:
Inborn genetic diseases. Identifiers: MedGen C0950123, MeSH D030342.

Allele frequency attached by ClinVar (database versions not stated): 1000 Genomes Project 30x 0.00016; 1000 Genomes Project 0.00020; gnomAD 0.00038; ESP Exome Variant Server 0.00038.
gnomAD v4.1: 127 of 1,611,670 alleles (0.0079%); highest among the groups gnomAD compares: African/African-American, 0.12%; no homozygotes.

Submissions (2):

Mayo Clinic Laboratories, Mayo Clinic
Classification: Likely benign. Last evaluated: 2025-07-31. Review status: criteria provided, single submitter. Criteria: ACMG Guidelines, 2015. Collection method: clinical testing. Allele origin: germline. Observed: 1 variant allele.
Comment: BS1, BP4

Ambry Genetics
Classification: Uncertain significance for Inborn genetic diseases. Last evaluated: 2023-12-22. Review status: criteria provided, single submitter. Criteria: Ambry Variant Classification Scheme 2023. Collection method: clinical testing. Allele origin: germline.

NM_006260.5(DNAJC3):c.671C>G (p.Ala224Gly)

Gene: DNAJC3 (DnaJ heat shock protein family (Hsp40) member C3; plus strand). Cytogenetic location: 13q32.1.
Variant type: single nucleotide variant.
Coding change: c.671C>G on transcript NM_006260.5 (MANE Select); coding-DNA position 671, C replaced by G.
Protein change: p.Ala224Gly; replaces alanine 224 with glycine.
Molecular consequence: missense variant.
Genome position (GRCh38, 1-based): chr13:95,760,164, C>G. VCF-style: chr13-95760164-C-G. GRCh37 (hg19) VCF-style: chr13-96412418-C-G.
Other names: p.Ala224Gly; short protein forms A224G.
Identifiers: ClinVar variation 3084576 (VCV003084576.2), dbSNP rs146893537, ClinGen allele CA7021413.